The following is an entry in ClinVar:

NM_001849.4(COL6A2):c.1922T>G (p.Val641Gly)

Gene: COL6A2 (collagen type VI alpha 2 chain; plus strand). Cytogenetic location: 21q22.3.
Variant type: single nucleotide variant.
Coding change: c.1922T>G on transcript NM_001849.4 (MANE Select); coding-DNA position 1922, T replaced by G.
Protein change: p.Val641Gly; replaces valine 641 with glycine.
Molecular consequence: missense variant.
Genome position (GRCh38, 1-based): chr21:46,125,570, T>G. VCF-style: chr21-46125570-T-G. GRCh37 (hg19) VCF-style: chr21-47545484-T-G.
Other names: c.1922T>G, p.Val641Gly (NM_058174.3, NM_058175.3); short protein forms V641G.
Identifiers: ClinVar variation 3896818 (VCV003896818.1).

ClinVar aggregate classification (germline): Uncertain significance (1 of 4 stars; one submission).

Conditions:
Bethlem myopathy 1B (BTHLM1B). Identifiers: MedGen C5935580, MONDO:0958233, OMIM 620725.

Submission:

Kariminejad - Najmabadi Pathology & Genetics Center
Classification: Uncertain significance for Bethlem myopathy 1B. Last evaluated: 2023-09-11. Review status: criteria provided, single submitter. Criteria: ACMG Guidelines, 2015. Collection method: clinical testing. Allele origin: germline. Inheritance: Autosomal recessive inheritance. Affected: yes. Observed: 2 variant alleles.
Comment: PM2,PP3, PP4